The following is an entry in ClinVar:

ClinVar aggregate classification (germline): Likely pathogenic (1 of 4 stars; one submission).

Conditions:
Cardiovascular phenotype. Identifiers: MedGen CN230736.

Submission:

Ambry Genetics
Classification: Likely pathogenic for Cardiovascular phenotype. Last evaluated: 2023-12-22. Review status: criteria provided, single submitter. Criteria: Ambry Variant Classification Scheme 2023. Collection method: clinical testing. Allele origin: germline.
Comment: The c.54551delA variant, located in coding exon 153 of the TTN gene, results from a deletion of one nucleotide at nucleotide position 54551, causing a translational frameshift with a predicted alternate stop codon (p.N18184Mfs*101). This exon is located in the A-band region of the N2-B isoform of the titin protein and is constitutively expressed in TTN transcripts (percent spliced in or PSI 100%). This alteration is expected to result in loss of function by premature protein truncation or nonsense-mediated mRNA decay. While truncating variants in TTN are present in 1-3% of the general population, truncating variants in the A-band are the most common cause of dilated cardiomyopathy (DCM) (Herman DS et al. N. Engl. J. Med., 2012 Feb;366:619-28; Roberts AM et al. Sci Transl Med, 2015 Jan;7:270ra6). TTN truncating variants encoded in constitutive exons (PSI >90%) have been found to be significantly associated with DCM regardless of their position in titin (Schafer S et al. Nat. Genet., 2017 01;49:46-53). This variant is considered to be rare based on population cohorts in the Genome Aggregation Database (gnomAD). Based on the majority of available evidence to date, this variant is likely to be pathogenic.

NM_001267550.2(TTN):c.81746del (p.Asn27249fs)

Genes: TTN (titin; minus strand), TTN-AS1 (TTN antisense RNA 1; plus strand). Cytogenetic location: 2q31.2.
Variant type: Deletion.
Coding change: c.81746del on transcript NM_001267550.2 (MANE Select); coding-DNA position 81746, one base deleted (A; older notation c.81746delA).
Protein change: p.Asn27249fs; shifts the reading frame from asparagine 27249.
Molecular consequence: frameshift variant.
Genome position (GRCh38, 1-based): chr2:178,564,386, T deleted on the plus strand (A on the coding strand, the reverse complement: TTN is on the minus strand); the first of 3 consecutive T bases (chr2:178,564,386-178,564,388); deleting any one gives the same sequence. VCF-style (leftmost placement, unchanged base first): chr2-178564385-AT-A. GRCh37 (hg19) VCF-style: chr2-179429112-AT-A.
Other names: c.76823del, p.Asn25608fs (NM_001256850.1); c.54551del, p.Asn18184fs (NM_003319.4); c.74042del, p.Asn24681fs (NM_133378.4); c.54926del, p.Asn18309fs (NM_133432.3); c.55127del, p.Asn18376fs (NM_133437.4); c.54551delA (NM_003319.4); short protein forms N18184fs, N18309fs, N18376fs, N24681fs, N25608fs, N27249fs.
Identifiers: ClinVar variation 3223306 (VCV003223306.1), dbSNP rs2468204803, ClinGen allele CA2825001020.